The following is an entry in ClinVar:

NM_001613.4(ACTA2):c.687G>A (p.Met229Ile)

Genes: ACTA2-AS1 (ACTA2 antisense RNA 1; plus strand), ACTA2 (actin alpha 2, smooth muscle; minus strand). Cytogenetic location: 10q23.31.
Variant type: single nucleotide variant.
Coding change: c.687G>A on transcript NM_001613.4 (MANE Select); coding-DNA position 687, G replaced by A.
Protein change: p.Met229Ile; replaces methionine 229 with isoleucine.
Molecular consequence: missense variant. On other transcripts: non-coding transcript variant (1), intron variant (1).
Genome position (GRCh38, 1-based): chr10:88,939,628, C>T on the plus strand (G>A on the coding strand, the complement: ACTA2 is on the minus strand). VCF-style: chr10-88939628-C-T. GRCh37 (hg19) VCF-style: chr10-90699385-C-T.
Other names: c.687G>A, p.Met229Ile (NM_001141945.3, NM_001320855.2, NM_001406462.1 and 2 more transcripts); c.576G>A, p.Met192Ile (NM_001406466.1); c.558G>A, p.Met186Ile (NM_001406467.1, NM_001406468.1, NM_001406469.1); c.617-1386G>A (NM_001406471.1); short protein forms M186I, M192I, M229I.
Identifiers: ClinVar variation 3221763 (VCV003221763.3), dbSNP rs2494528629, ClinGen allele CA377511394.

ClinVar aggregate classification (germline): Uncertain significance. Review status: criteria provided, multiple submitters, no conflicts (2 of 4 stars). 2 submissions from 2 submitters: Uncertain significance (2). Last evaluated 2026-02-03.

Conditions:
Aortic aneurysm, familial thoracic 6 (AAT6). Also called: FAMILIAL THORACIC AORTIC ANEURYSM WITH LIVEDO RETICULARIS AND IRIS FLOCCULI. Identifiers: MedGen C2673186, MONDO:0012730, OMIM 611788.
Familial thoracic aortic aneurysm and aortic dissection (TAAD). Also called: Thoracic aortic aneurysms and dissections. Identifiers: Orphanet 91387, MedGen C4707243, MONDO:0019625.

Submissions (2):

Labcorp Genetics (formerly Invitae), Labcorp
Classification: Uncertain significance for Aortic aneurysm, familial thoracic 6. Last evaluated: 2026-02-03. Review status: criteria provided, single submitter. Criteria: Invitae Variant Classification Sherloc (09022015). Collection method: clinical testing. Allele origin: germline.
Comment: This sequence change replaces methionine, which is neutral and non-polar, with isoleucine, which is neutral and non-polar, at codon 229 of the ACTA2 protein (p.Met229Ile). This variant is not present in population databases (gnomAD no frequency). This variant has not been reported in the literature in individuals affected with ACTA2-related conditions. ClinVar contains an entry for this variant (Variation ID: 3221763). Invitae Evidence Modeling of protein sequence and biophysical properties (such as structural, functional, and spatial information, amino acid conservation, physicochemical variation, residue mobility, and thermodynamic stability) indicates that this missense variant is not expected to disrupt ACTA2 protein function with a negative predictive value of 80%. In summary, the available evidence is currently insufficient to determine the role of this variant in disease. Therefore, it has been classified as a Variant of Uncertain Significance.

Ambry Genetics
Classification: Uncertain significance for Familial thoracic aortic aneurysm and aortic dissection. Last evaluated: 2024-03-07. Review status: criteria provided, single submitter. Criteria: Ambry Variant Classification Scheme 2023. Collection method: clinical testing. Allele origin: germline.
Comment: The p.M229I variant (also known as c.687G>A), located in coding exon 6 of the ACTA2 gene, results from a G to A substitution at nucleotide position 687. The methionine at codon 229 is replaced by isoleucine, an amino acid with highly similar properties. This amino acid position is conserved. In addition, this alteration is predicted to be deleterious by in silico analysis. Based on the available evidence, the clinical significance of this alteration remains unclear.